The following is an entry in ClinVar:

ClinVar aggregate classification (germline): Conflicting classifications of pathogenicity. Review status: criteria provided, conflicting classifications (1 of 4 stars). 7 submissions from 7 submitters: Uncertain significance (6); Likely benign (1). Last evaluated 2025-08-03.

Conditions:
Congenital muscular dystrophy due to integrin alpha-7 deficiency. Also called: MYOPATHY, CONGENITAL, DUE TO INTEGRIN ALPHA-7 DEFICIENCY; Congenital muscular dystrophy with integrin alpha-7 deficiency; Muscular dystrophy, congenital, due to ITGA7 deficiency. Identifiers: Orphanet 34520, MedGen C2750786, MONDO:0013177, OMIM 613204.

Allele frequency attached by ClinVar (database versions not stated): gnomAD exomes 0.00010 and 0.00020; gnomAD 0.00025 and 0.00028; ExAC 0.00037; TOPMed 0.00043; 1000 Genomes Project 30x 0.00141; 1000 Genomes Project 0.00160.
gnomAD v4.1: 203 of 1,611,136 alleles (0.013%); highest among the groups gnomAD compares: Middle Eastern, 0.15%; 1 homozygote.

Submissions (7):

Ambry Genetics
Classification: Uncertain significance. Last evaluated: 2025-08-03. Review status: criteria provided, single submitter. Criteria: Ambry Variant Classification Scheme 2023. Collection method: clinical testing. Allele origin: germline.

Blueprint Genetics
Classification: Uncertain significance. Last evaluated: 2024-06-27. Review status: criteria provided, single submitter. Criteria: ACMG Guidelines, 2015. Collection method: clinical testing. Allele origin: germline.

Revvity Omics, Revvity
Classification: Uncertain significance for Congenital muscular dystrophy due to integrin alpha-7 deficiency. Last evaluated: 2024-06-12. Review status: criteria provided, single submitter. Criteria: ACMG Guidelines, 2015. Collection method: clinical testing. Allele origin: germline.

Mayo Clinic Laboratories, Mayo Clinic
Classification: Uncertain significance. Last evaluated: 2024-02-15. Review status: criteria provided, single submitter. Criteria: ACMG Guidelines, 2015. Collection method: clinical testing. Allele origin: germline. Observed: 1 variant allele.
Comment: BP4

Labcorp Genetics (formerly Invitae), Labcorp
Classification: Uncertain significance for Congenital muscular dystrophy due to integrin alpha-7 deficiency. Last evaluated: 2024-01-22. Review status: criteria provided, single submitter. Criteria: Invitae Variant Classification Sherloc (09022015). Collection method: clinical testing. Allele origin: germline.
Comment: This sequence change replaces isoleucine, which is neutral and non-polar, with valine, which is neutral and non-polar, at codon 267 of the ITGA7 protein (p.Ile267Val). This variant is present in population databases (rs201469044, gnomAD 0.09%). This variant has not been reported in the literature in individuals affected with ITGA7-related conditions. ClinVar contains an entry for this variant (Variation ID: 538001). Advanced modeling of protein sequence and biophysical properties (such as structural, functional, and spatial information, amino acid conservation, physicochemical variation, residue mobility, and thermodynamic stability) performed at Invitae indicates that this missense variant is not expected to disrupt ITGA7 protein function with a negative predictive value of 80%. In summary, the available evidence is currently insufficient to determine the role of this variant in disease. Therefore, it has been classified as a Variant of Uncertain Significance.

GeneDx
Classification: Likely benign. Last evaluated: 2021-05-20. Review status: criteria provided, single submitter. Criteria: GeneDx Variant Classification Process June 2021. Collection method: clinical testing. Allele origin: germline. Affected: yes.

Baylor Genetics
Classification: Uncertain significance for Congenital muscular dystrophy due to integrin alpha-7 deficiency. Last evaluated: 2019-09-06. Review status: criteria provided, single submitter. Criteria: ACMG Guidelines, 2015. Collection method: clinical testing. Allele origin: unknown. Affected: yes.
Comment: This variant was determined to be of uncertain significance according to ACMG Guidelines, 2015 [PMID:25741868].

NM_002206.3(ITGA7):c.799A>G (p.Ile267Val)

Gene: ITGA7 (integrin subunit alpha 7; minus strand). Cytogenetic location: 12q13.2.
Variant type: single nucleotide variant.
Coding change: c.799A>G on transcript NM_002206.3 (MANE Select); coding-DNA position 799, A replaced by G.
Protein change: p.Ile267Val; replaces isoleucine 267 with valine.
Molecular consequence: missense variant. On other transcripts: 5 prime UTR variant (1).
Genome position (GRCh38, 1-based): chr12:55,698,909, T>C on the plus strand (A>G on the coding strand, the complement: ITGA7 is on the minus strand). VCF-style: chr12-55698909-T-C. GRCh37 (hg19) VCF-style: chr12-56092693-T-C.
Other names: p.Ile267Val; c.811A>G, p.Ile271Val (NM_001144996.2, NM_001414029.1, NM_001414030.1); c.520A>G, p.Ile174Val (NM_001144997.2); c.472A>G, p.Ile158Val (NM_001367993.1); c.-494A>G (NM_001367994.1); c.799A>G, p.Ile267Val (NM_001374465.1, NM_001414031.1, NM_001414034.1); c.931A>G, p.Ile311Val (NM_001410977.1); c.679A>G, p.Ile227Val (NM_001414032.1); and 2 more; short protein forms I267V, I174V, I271V, I158V, I311V, I154V, I227V, I206V.
Identifiers: ClinVar variation 538001 (VCV000538001.18), dbSNP rs201469044, ClinGen allele CA6616156.